The following is an entry in ClinVar:

ClinVar aggregate classification (germline): Pathogenic/Likely pathogenic. Review status: criteria provided, multiple submitters, no conflicts (2 of 4 stars). 2 submissions from 2 submitters: Pathogenic (1); Likely pathogenic (1). Last evaluated 2022-10-22.

Conditions:
CCDC40-related disorder. Also called: CCDC40-related condition.
Primary ciliary dyskinesia. Also called: Ciliary dyskinesia. Identifiers: Orphanet 244, MedGen C0008780, MONDO:0016575, HP:0012265.

Submissions (2):

Blueprint Genetics
Classification: Likely pathogenic for CCDC40-related disorders. Last evaluated: 2022-10-22. Review status: criteria provided, single submitter. Criteria: ACMG Guidelines, 2015. Collection method: clinical testing. Allele origin: germline. Affected: yes. Observed: 1 variant allele.

Labcorp Genetics (formerly Invitae), Labcorp
Classification: Pathogenic for Primary ciliary dyskinesia. Last evaluated: 2020-01-15. Review status: criteria provided, single submitter. Criteria: Invitae Variant Classification Sherloc (09022015). Collection method: clinical testing. Allele origin: germline.
Comment: This sequence change results in a premature translational stop signal in the CCDC40 gene (p.Glu1117*). While this is not anticipated to result in nonsense mediated decay, it is expected to disrupt the last 26 amino acids of the CCDC40 protein. For these reasons, this variant has been classified as Pathogenic. This variant disrupts the C-terminus of the CCDC40 protein. Other variant(s) that disrupt this region (p.Tyr1118*) have been determined to be pathogenic (Invitae). This suggests that variants that disrupt this region of the protein are likely to be causative of disease. This variant has not been reported in the literature in individuals with CCDC40-related conditions. This variant is not present in population databases (ExAC no frequency).

NM_017950.4(CCDC40):c.3349G>T (p.Glu1117Ter)

Gene: CCDC40 (coiled-coil domain 40 molecular ruler complex subunit; plus strand). Cytogenetic location: 17q25.3.
Variant type: single nucleotide variant.
Coding change: c.3349G>T on transcript NM_017950.4 (MANE Select); coding-DNA position 3349, G replaced by T.
Protein change: p.Glu1117Ter; replaces glutamic acid 1117 with a stop codon.
Molecular consequence: nonsense.
Genome position (GRCh38, 1-based): chr17:80,099,695, G>T. VCF-style: chr17-80099695-G-T. GRCh37 (hg19) VCF-style: chr17-78073494-G-T.
Other names: short protein forms E1117*.
Identifiers: ClinVar variation 1076172 (VCV001076172.10), dbSNP rs145595957, ClinGen allele CA401358103.